The following is an entry in ClinVar:

NM_153252.5(BRWD3):c.915-32G>A

Gene: BRWD3 (bromodomain and WD repeat domain containing 3; minus strand). Cytogenetic location: Xq21.1.
Variant type: single nucleotide variant.
Coding change: c.915-32G>A on transcript NM_153252.5 (MANE Select); 32 bases into the intron before coding-DNA position 915, G replaced by A.
Molecular consequence: intron variant.
Genome position (GRCh38, 1-based): chrX:80,735,229, C>T on the plus strand (G>A on the coding strand, the complement: BRWD3 is on the minus strand). VCF-style: chrX-80735229-C-T. GRCh37 (hg19) VCF-style: chrX-79990728-C-T.
Other names: c.915-32G>A (NM_001441339.1).
Identifiers: ClinVar variation 4891137 (VCV004891137.1).

ClinVar aggregate classification (germline): Uncertain significance (1 of 4 stars; one submission).

gnomAD v4.1: 1 of 1,124,890 alleles (0.000089%); highest among the groups gnomAD compares: African/African-American, 0.0018%; no homozygotes.

Submission:

Greenwood Genetic Center Diagnostic Laboratories, Greenwood Genetic Center
Classification: Uncertain significance. Last evaluated: 2026-06-09. Review status: criteria provided, single submitter. Criteria: ACMG Guidelines, 2015. Collection method: clinical testing. Allele origin: germline.
Comment: PM2, BP4